The following is an entry in ClinVar:

ClinVar aggregate classification (germline): Uncertain significance (1 of 4 stars; one submission).

Submission:

Ambry Genetics
Classification: Uncertain significance. Last evaluated: 2026-02-23. Review status: criteria provided, single submitter. Criteria: Ambry Variant Classification Scheme 2023. Collection method: clinical testing. Allele origin: germline.
Comment: The p.S242G variant (also known as c.724A>G), located in coding exon 7 of the KIF1B gene, results from an A to G substitution at nucleotide position 724. The serine at codon 242 is replaced by glycine, an amino acid with similar properties. This amino acid position is conserved. In addition, this alteration is predicted to be deleterious by in silico analysis. Based on the available evidence, the clinical significance of this variant remains unclear.

NM_001365951.3(KIF1B):c.724A>G (p.Ser242Gly)

Gene: KIF1B (kinesin family member 1B; plus strand). Cytogenetic location: 1p36.22.
Variant type: single nucleotide variant.
Coding change: c.724A>G on transcript NM_001365951.3 (MANE Select); coding-DNA position 724, A replaced by G.
Protein change: p.Ser242Gly; replaces serine 242 with glycine.
Molecular consequence: missense variant.
Genome position (GRCh38, 1-based): chr1:10,271,505, A>G. VCF-style: chr1-10271505-A-G. GRCh37 (hg19) VCF-style: chr1-10331563-A-G.
Other names: c.724A>G, p.Ser242Gly (NM_001365952.1, NM_001365953.1, NM_015074.3 and 1 more transcripts); short protein forms S242G.
Identifiers: ClinVar variation 4826080 (VCV004826080.1).